The following is an entry in ClinVar:

NM_001371623.1(TCOF1):c.2722del (p.Arg908fs)

Gene: TCOF1 (treacle ribosome biogenesis factor 1; plus strand). Cytogenetic location: 5q32.
Variant type: Deletion.
Coding change: c.2722del on transcript NM_001371623.1 (MANE Select); coding-DNA position 2722, one base deleted (A; older notation c.2722delA).
Protein change: p.Arg908fs; shifts the reading frame from arginine 908.
Molecular consequence: frameshift variant.
Genome position (GRCh38, 1-based): chr5:150,379,595, A deleted. VCF-style (leftmost placement, unchanged base first): chr5-150379594-CA-C. GRCh37 (hg19) VCF-style: chr5-149759157-CA-C.
Other names: c.2491del, p.Arg831fs (NM_000356.4, NM_001135245.2); c.2722del, p.Arg908fs (NM_001008657.3, NM_001135243.2, NM_001135244.2 and 1 more transcripts); short protein forms R831fs, R908fs.
Identifiers: ClinVar variation 1699238 (VCV001699238.3), dbSNP rs2150816737, ClinGen allele CA2573131747.
Genomic context (GRCh38, chr5:150,379,594, plus strand): 5'-GAAGCCTTCAGGGAAGACCCACCAGATCAGAGCTGCCTTGGCTCCTGCCAAGGAGTCCCC[CA>C]GGAAAGGGGCTGCCCCAACACCTCCTGGGAAGACAGGGCCTTCGGCTGCCCAGGCAGGGA-3'

ClinVar aggregate classification (germline): Pathogenic (1 of 4 stars; one submission).

Conditions:
Treacher Collins syndrome 1 (TCS1). Also called: TCOF1-Related Treacher Collins Syndrome. Identifiers: Orphanet 861, MedGen CN315775, MONDO:0007944, OMIM 154500.

Submission:

Victorian Clinical Genetics Services, Murdoch Childrens Research Institute
Classification: Pathogenic for Treacher Collins syndrome 1. Last evaluated: 2022-02-02. Review status: criteria provided, single submitter. Criteria: ACMG Guidelines, 2015. Collection method: clinical testing. Allele origin: germline. Inheritance: Autosomal dominant inheritance.
Comment: Based on the classification scheme VCGS_Germline_v1.3.4, this variant is classified as Pathogenic. Following criteria are met: 0102 - Loss of function is a known mechanism of disease in this gene and is associated with Treacher Collins syndrome 1 (MIM#154500). (I) 0107 - This gene is associated with autosomal dominant disease. (I) 0115 - Variants in this gene are known to have variable expressivity. Extreme inter- and intrafamilial phenotypic variation has been reported (PMID: 15150774). (I) 0201 - Variant is predicted to cause nonsense-mediated decay (NMD) and loss of protein (premature termination codon is located at least 54 nucleotides upstream of the final exon-exon junction). (SP) 0251 - This variant is heterozygous. (I) 0301 - Variant is absent from gnomAD (both v2 and v3). (SP) 0701 - Other NMD-predicted variants comparable to the one identified in this case have very strong previous evidence for pathogenicity. These variants have been commonly reported as pathogenic and observed in individuals with Treacher Collins syndrome (TCS; DECIPHER). (SP) 0803 - This variant has limited previous evidence of pathogenicity in an unrelated individual. An alternative deletion (c.2490delC) resulting in the same predicted protein outcome, has been reported as pathogenic and observed in a family with TCS (PMID: 9096354). (SP) 0906 - Segregation evidence for this variant is inconclusive. The c.2490delC variant has segregated within an affected father and daughter with TCS, however this is insufficient meioses (PMID: 9096354). (I) 1007 - No published functional evidence has been identified for this variant. (I) 1102 - Strong phenotype match for this individual. (SP) Legend: (SP) - Supporting pathogenic, (I) - Information, (SB) - Supporting benign

Literature cited by the submitters: PubMed 9096354; PubMed 15150774.